The following is an entry in ClinVar:

NM_005422.4(TECTA):c.6103G>A (p.Glu2035Lys)

Genes: TBCEL-TECTA (TBCEL-TECTA readthrough; plus strand), TECTA (tectorin alpha; plus strand). Cytogenetic location: 11q23.3.
Variant type: single nucleotide variant.
Coding change: c.6103G>A on transcript NM_005422.4 (MANE Select); coding-DNA position 6103, G replaced by A.
Protein change: p.Glu2035Lys; replaces glutamic acid 2035 with lysine.
Molecular consequence: missense variant.
Genome position (GRCh38, 1-based): chr11:121,187,935, G>A. VCF-style: chr11-121187935-G-A. GRCh37 (hg19) VCF-style: chr11-121058644-G-A.
Other names: c.7045G>A, p.Glu2349Lys (NM_001378761.1); short protein forms E2035K, E2349K.
Identifiers: ClinVar variation 78214 (VCV000078214.8), dbSNP rs267602733, ClinGen allele CA6327885.

ClinVar aggregate classification (germline): Uncertain significance. Review status: criteria provided, multiple submitters, no conflicts (2 of 4 stars). 5 submissions from 4 submitters: Uncertain significance (4). 1 of the submissions does not count toward it. Last evaluated 2026-01-28.

Conditions:
TECTA-related disorder. Also called: TECTA-related condition.
Autosomal recessive nonsyndromic hearing loss 21. Identifiers: Orphanet 90636, MedGen C1863655, MONDO:0011351, OMIM 603629.
Autosomal dominant nonsyndromic hearing loss 12. Also called: DEAFNESS, AUTOSOMAL DOMINANT 8. Identifiers: Orphanet 90635, MedGen C1832187, MONDO:0011102, OMIM 601543.

Allele frequency attached by ClinVar (database versions not stated): ExAC 0.00001; gnomAD 0.00001; TOPMed 0.00001; gnomAD exomes 0.00003.
gnomAD v4.1: 34 of 1,614,098 alleles (0.0021%); highest among the groups gnomAD compares: Admixed American, 0.017%; no homozygotes.

Submissions (5):

Labcorp Genetics (formerly Invitae), Labcorp
Classification: Uncertain significance. Last evaluated: 2026-01-28. Review status: criteria provided, single submitter. Criteria: Invitae Variant Classification Sherloc (09022015). Collection method: clinical testing. Allele origin: germline.
Comment: This sequence change replaces glutamic acid, which is acidic and polar, with lysine, which is basic and polar, at codon 2035 of the TECTA protein (p.Glu2035Lys). This variant is present in population databases (rs267602733, gnomAD 0.02%). This variant has not been reported in the literature in individuals affected with TECTA-related conditions. ClinVar contains an entry for this variant (Variation ID: 78214). Invitae Evidence Modeling of protein sequence and biophysical properties (such as structural, functional, and spatial information, amino acid conservation, physicochemical variation, residue mobility, and thermodynamic stability) has been performed for this missense variant. However, the output from this modeling did not meet the statistical confidence thresholds required to predict the impact of this variant on TECTA protein function. In summary, the available evidence is currently insufficient to determine the role of this variant in disease. Therefore, it has been classified as a Variant of Uncertain Significance.

Blueprint Genetics
Classification: Uncertain significance. Last evaluated: 2022-06-22. Review status: criteria provided, single submitter. Criteria: ACMG Guidelines, 2015. Collection method: clinical testing. Allele origin: germline.

Illumina Laboratory Services, Illumina
Classification: Uncertain significance for Autosomal recessive nonsyndromic hearing loss 21. Last evaluated: 2018-01-12. Review status: criteria provided, single submitter. Criteria: ICSL Variant Classification Criteria 13 December 2019. Collection method: clinical testing. Allele origin: germline.

Illumina Laboratory Services, Illumina
Classification: Uncertain significance for Autosomal dominant nonsyndromic hearing loss 12. Last evaluated: 2018-01-12. Review status: criteria provided, single submitter. Criteria: ICSL Variant Classification Criteria 13 December 2019. Collection method: clinical testing. Allele origin: germline.

PreventionGenetics, part of Exact Sciences
Classification: Uncertain significance for TECTA-related condition. Last evaluated: 2024-08-08. Review status: no assertion criteria provided. Collection method: clinical testing. Allele origin: germline. Not counted in ClinVar's aggregate classification.
Comment: The TECTA c.6103G>A variant is predicted to result in the amino acid substitution p.Glu2035Lys. To our knowledge, this variant has not been reported in the literature. This variant is reported in 0.020% of alleles in individuals of Latino descent in gnomAD. At this time, the clinical significance of this variant is uncertain due to the absence of conclusive functional and genetic evidence.